The following is an entry in ClinVar:

ClinVar aggregate classification (germline): Uncertain significance (1 of 4 stars; one submission).

gnomAD v4.1: 2 of 1,208,710 alleles (0.00017%); no homozygotes.

Submission:

GeneDx
Classification: Uncertain significance. Last evaluated: 2025-03-04. Review status: criteria provided, single submitter. Criteria: GeneDx Variant Classification Process June 2021. Collection method: clinical testing. Allele origin: germline. Affected: yes.
Comment: Not observed at significant frequency in large population cohorts (gnomAD); In silico analysis indicates that this missense variant does not alter protein structure/function; Has not been previously published as pathogenic or benign to our knowledge

NM_004463.3(FGD1):c.2303G>A (p.Arg768Gln)

Gene: FGD1 (FYVE, RhoGEF and PH domain containing 1; minus strand). Cytogenetic location: Xp11.22.
Variant type: single nucleotide variant.
Coding change: c.2303G>A on transcript NM_004463.3 (MANE Select); coding-DNA position 2303, G replaced by A.
Protein change: p.Arg768Gln; replaces arginine 768 with glutamine.
Molecular consequence: missense variant.
Genome position (GRCh38, 1-based): chrX:54,448,939, C>T on the plus strand (G>A on the coding strand, the complement: FGD1 is on the minus strand). VCF-style: chrX-54448939-C-T. GRCh37 (hg19) VCF-style: chrX-54475372-C-T.
Other names: short protein forms R768Q.
Identifiers: ClinVar variation 4082836 (VCV004082836.1).